The following is an entry in ClinVar:

ClinVar aggregate classification (germline): Pathogenic. Review status: criteria provided, single submitter (1 of 4 stars). 2 submissions from 2 submitters: Pathogenic (1). 1 of the submissions does not count toward it.

Conditions:
3-methylglutaconic aciduria type 9. Also called: 3-METHYLGLUTACONIC ACIDURIA, TYPE IX. Identifiers: Orphanet 505216, MedGen C4540171, MONDO:0044724, OMIM 617698.
Mitochondrial encephalopathy. Identifiers: MedGen C1852373, HP:0006789.

Submissions (2):

Zeviani Lab, University of Cambridge
Classification: Pathogenic for Mitochondrial encephalopathy. Review status: criteria provided, single submitter. Criteria: ACMG Guidelines, 2015. Collection method: case-control, in vitro. Allele origin: germline, not applicable. Inheritance: Autosomal recessive inheritance. Affected: yes. Observed: 1 variant allele, 1 compound heterozygote.
Comment: In vitro functional analysis on skin fibroblasts showed low levels of TIMM50 and other components of the TIM23 complex, lower mitochondrial membrane potential and impaired TIM23-dependent protein import. As a consequence, steady-state levels of several components of mitochondrial respiratory chain were decreased, resulting in decreased respiration and increased ROS production.

OMIM
Classification: Pathogenic for 3-METHYLGLUTACONIC ACIDURIA, TYPE IX. Last evaluated: 2021-03-16. Review status: no assertion criteria provided. Collection method: literature only. Allele origin: germline. Not counted in ClinVar's aggregate classification.

Literature cited by the submitters: PubMed 30190335 (cited by OMIM).

NM_001001563.5(TIMM50):c.26C>A (p.Ser9Ter)

Gene: TIMM50 (translocase of inner mitochondrial membrane 50; plus strand). Cytogenetic location: 19q13.2.
Variant type: single nucleotide variant.
Coding change: c.26C>A on transcript NM_001001563.5 (MANE Select); coding-DNA position 26, C replaced by A.
Protein change: p.Ser9Ter; replaces serine 9 with a stop codon.
Molecular consequence: nonsense. On other transcripts: 5 prime UTR variant (1).
Genome position (GRCh38, 1-based): chr19:39,480,879, C>A. VCF-style: chr19-39480879-C-A. GRCh37 (hg19) VCF-style: chr19-39971519-C-A.
Other names: c.-255C>A (NM_001329559.2); short protein forms S9*.
Identifiers: ClinVar variation 559480 (VCV000559480.5), dbSNP rs35135520, ClinGen allele CA405785849.